The following is an entry in ClinVar:

ClinVar aggregate classification (germline): Conflicting classifications of pathogenicity. Review status: criteria provided, conflicting classifications (1 of 4 stars). 3 submissions from 3 submitters: Likely pathogenic (1); Uncertain significance (2). Last evaluated 2024-04-15.

Conditions:
CASR-related disorder. Also called: CASR-related condition.
Familial hypocalciuric hypercalcemia (FHH). Also called: Familial benign hypercalcemia. Identifiers: Orphanet 405, MedGen C1809471, MONDO:0018458.
Autosomal dominant hypocalcemia 1 (HYPOC1). Also called: HYPOCALCEMIA, FAMILIAL. Identifiers: MedGen C3715128, MONDO:0011013, OMIM 601198.
Nephrolithiasis/nephrocalcinosis. Identifiers: MedGen CN580796.

Allele frequency attached by ClinVar (database versions not stated): gnomAD exomes below 0.00001; ExAC 0.00001.
gnomAD v4.1: 11 of 1,614,122 alleles (0.00068%); highest among the groups gnomAD compares: Non-Finnish European, 0.00093%; no homozygotes.

Submissions (3):

Labcorp Genetics (formerly Invitae), Labcorp
Classification: Uncertain significance for Familial hypocalciuric hypercalcemia; Autosomal dominant hypocalcemia 1. Last evaluated: 2024-04-15. Review status: criteria provided, single submitter. Criteria: Invitae Variant Classification Sherloc (09022015). Collection method: clinical testing. Allele origin: germline.
Comment: This sequence change replaces arginine, which is basic and polar, with cysteine, which is neutral and slightly polar, at codon 716 of the CASR protein (p.Arg716Cys). This variant is present in population databases (rs768333005, gnomAD 0.0009%). This variant has not been reported in the literature in individuals affected with CASR-related conditions. ClinVar contains an entry for this variant (Variation ID: 1386314). An algorithm developed to predict the effect of missense changes on protein structure and function (PolyPhen-2) suggests that this variant is likely to be disruptive. In summary, the available evidence is currently insufficient to determine the role of this variant in disease. Therefore, it has been classified as a Variant of Uncertain Significance.

Ambry Genetics
Classification: Uncertain significance for Nephrolithiasis/nephrocalcinosis. Last evaluated: 2022-10-03. Review status: criteria provided, single submitter. Criteria: Ambry Variant Classification Scheme 2023. Collection method: clinical testing. Allele origin: germline.
Comment: The p.R716C variant (also known as c.2146C>T), located in coding exon 6 of the CASR gene, results from a C to T substitution at nucleotide position 2146. The arginine at codon 716 is replaced by cysteine, an amino acid with highly dissimilar properties. This amino acid position is conserved. In addition, this alteration is predicted to be deleterious by in silico analysis. Since supporting evidence is limited at this time, the clinical significance of this alteration remains unclear.

Blueprint Genetics
Classification: Likely pathogenic for CASR-related disorders. Last evaluated: 2021-06-29. Review status: criteria provided, single submitter. Criteria: ACMG Guidelines, 2015. Collection method: clinical testing. Allele origin: germline. Affected: yes. Observed: 2 variant alleles.

NM_000388.4(CASR):c.2146C>T (p.Arg716Cys)

Gene: CASR (calcium sensing receptor; plus strand). Cytogenetic location: 3q21.1.
Variant type: single nucleotide variant.
Coding change: c.2146C>T on transcript NM_000388.4 (MANE Select); coding-DNA position 2146, C replaced by T.
Protein change: p.Arg716Cys; replaces arginine 716 with cysteine.
Molecular consequence: missense variant.
Genome position (GRCh38, 1-based): chr3:122,284,100, C>T. VCF-style: chr3-122284100-C-T. GRCh37 (hg19) VCF-style: chr3-122002947-C-T.
Other names: c.2176C>T, p.Arg726Cys (NM_001178065.2); short protein forms R726C, R716C.
Identifiers: ClinVar variation 1386314 (VCV001386314.9), dbSNP rs768333005, ClinGen allele CA2569786.
Genomic context (GRCh38, chr3:122,284,100, plus strand): 5'-CTGGTGAAAACCAACCGTGTCCTCCTGGTGTTTGAGGCCAAGATCCCCACCAGCTTCCAC[C>T]GCAAGTGGTGGGGGCTCAACCTGCAGTTCCTGCTGGTTTTCCTCTGCACCTTCATGCAGA-3'
Protein context (NP_000379.3, residues 706-726): FEAKIPTSFH[Arg716Cys]KWWGLNLQFL